The following is an entry in ClinVar:

NM_024642.5(GALNT12):c.934G>T (p.Gly312Cys)

Gene: GALNT12 (polypeptide N-acetylgalactosaminyltransferase 12; plus strand). Cytogenetic location: 9q22.33.
Variant type: single nucleotide variant.
Coding change: c.934G>T on transcript NM_024642.5 (MANE Select); coding-DNA position 934, G replaced by T.
Protein change: p.Gly312Cys; replaces glycine 312 with cysteine.
Molecular consequence: missense variant.
Genome position (GRCh38, 1-based): chr9:98,835,265, G>T. VCF-style: chr9-98835265-G-T. GRCh37 (hg19) VCF-style: chr9-101597547-G-T.
Other names: short protein forms G312C.
Identifiers: ClinVar variation 2566272 (VCV002566272.2), dbSNP rs2118438003, ClinGen allele CA374219350.
Genomic context (GRCh38, chr9:98,835,265, plus strand): 5'-TTTTCTGCTGTCTACAGTGAAATAAGGATATCATACTTTTTTAGGTCTCCAACAATGGCT[G>T]GTGGGCTGTTTGCTGTGAGTAAGAAATATTTTGAATATCTGGGGTCTTATGATACAGGAA-3'
Protein context (NP_078918.3, residues 302-322): VDVIRSPTMA[Gly312Cys]GLFAVSKKYF

ClinVar aggregate classification (germline): Uncertain significance (1 of 4 stars; one submission).

Submission:

Ambry Genetics
Classification: Uncertain significance. Last evaluated: 2023-05-25. Review status: criteria provided, single submitter. Criteria: Ambry Variant Classification Scheme 2023. Collection method: clinical testing. Allele origin: germline.
Comment: The p.G312C variant (also known as c.934G>T), located in coding exon 5 of the GALNT12 gene, results from a G to T substitution at nucleotide position 934. The glycine at codon 312 is replaced by cysteine, an amino acid with highly dissimilar properties. This amino acid position is conserved. In addition, this alteration is predicted to be deleterious by in silico analysis. Since supporting evidence is limited at this time, the clinical significance of this alteration remains unclear.